The following is an entry in ClinVar:

NM_014738.6(TMEM94):c.810del (p.Asp270fs)

Gene: TMEM94 (transmembrane protein 94; plus strand). Cytogenetic location: 17q25.1.
Variant type: Deletion.
Coding change: c.810del on transcript NM_014738.6 (MANE Select); coding-DNA position 810, one base deleted (C; older notation c.810delC).
Protein change: p.Asp270fs; shifts the reading frame from aspartic acid 270.
Molecular consequence: frameshift variant.
Genome position (GRCh38, 1-based): chr17:75,489,311, C deleted. VCF-style (leftmost placement, unchanged base first): chr17-75489310-AC-A. GRCh37 (hg19) VCF-style: chr17-73485391-AC-A.
Other names: c.810del (NM_014738.5); c.840del, p.Asp280fs (NM_001321148.2, NM_001351203.2); c.810del, p.Asp270fs (NM_001321149.2, NM_001351202.2); short protein forms D270fs, D280fs.
Identifiers: ClinVar variation 617668 (VCV000617668.2), dbSNP rs1567950778, ClinGen allele CA913190903.

ClinVar aggregate classification (germline): Likely pathogenic. Review status: criteria provided, single submitter (1 of 4 stars). 2 submissions from 2 submitters: Likely pathogenic (1). 1 of the submissions does not count toward it. Last evaluated 2024-10-04.

Conditions:
Intellectual developmental disorder with cardiac defects and dysmorphic facies (IDDCDF). Identifiers: Orphanet 562569, MedGen C5193024, MONDO:0032672, OMIM 618316.

Submissions (2):

Dubai Health Genomic Medicine Center, Dubai Health
Classification: Likely pathogenic for Intellectual developmental disorder with cardiac defects and dysmorphic facies. Last evaluated: 2024-10-04. Review status: criteria provided, single submitter. Criteria: ACMG Guidelines, 2015. Collection method: research. Allele origin: germline. Affected: yes.
Comment: PVS1,PM2

OMIM
Classification: Pathogenic for INTELLECTUAL DEVELOPMENTAL DISORDER WITH CARDIAC DEFECTS AND DYSMORPHIC FACIES. Last evaluated: 2019-02-06. Review status: no assertion criteria provided. Collection method: literature only. Allele origin: germline. Not counted in ClinVar's aggregate classification.

Literature cited by the submitters: PubMed 30526868 (cited by OMIM).